The following is an entry in ClinVar:

ClinVar aggregate classification (germline): Uncertain significance (1 of 4 stars; one submission).

Conditions:
Hereditary breast ovarian cancer syndrome. Also called: BRCA1- and BRCA2-Associated Hereditary Breast and Ovarian Cancer; Hereditary breast and ovarian cancer syndrome; Hereditary breast and ovarian cancer; Hereditary breast and ovarian cancer syndrome (HBOC); Breast and ovarian cancer; Hereditary breast and/or ovarian cancer syndrome. Identifiers: Orphanet 145, MedGen C0677776, MeSH D061325, MONDO:0003582. Disease mechanism: loss of function.

Submission:

Labcorp Genetics (formerly Invitae), Labcorp
Classification: Uncertain significance for Hereditary breast ovarian cancer syndrome. Last evaluated: 2024-03-19. Review status: criteria provided, single submitter. Criteria: Invitae Variant Classification Sherloc (09022015). Collection method: clinical testing. Allele origin: germline.
Comment: This sequence change replaces phenylalanine, which is neutral and non-polar, with serine, which is neutral and polar, at codon 2470 of the BRCA2 protein (p.Phe2470Ser). This variant is not present in population databases (gnomAD no frequency). This variant has not been reported in the literature in individuals affected with BRCA2-related conditions. ClinVar contains an entry for this variant (Variation ID: 1436401). Advanced modeling of protein sequence and biophysical properties (such as structural, functional, and spatial information, amino acid conservation, physicochemical variation, residue mobility, and thermodynamic stability) performed at Invitae indicates that this missense variant is not expected to disrupt BRCA2 protein function with a negative predictive value of 95%. In summary, the available evidence is currently insufficient to determine the role of this variant in disease. Therefore, it has been classified as a Variant of Uncertain Significance.

NM_000059.4(BRCA2):c.7409T>C (p.Phe2470Ser)

Gene: BRCA2 (BRCA2 DNA repair associated; plus strand). Cytogenetic location: 13q13.1.
Variant type: single nucleotide variant.
Coding change: c.7409T>C on transcript NM_000059.4 (MANE Select); coding-DNA position 7409, T replaced by C.
Protein change: p.Phe2470Ser; replaces phenylalanine 2470 with serine.
Molecular consequence: missense variant.
Genome position (GRCh38, 1-based): chr13:32,355,262, T>C. VCF-style: chr13-32355262-T-C. GRCh37 (hg19) VCF-style: chr13-32929399-T-C.
Other names: short protein forms F2470S.
Identifiers: ClinVar variation 1436401 (VCV001436401.6), dbSNP rs2137558867, ClinGen allele CA387741906.
Genomic context (GRCh38, chr13:32,355,262, plus strand): 5'-ATGACAATGAGATTCATCAGTTTAACAAAAACAACTCCAATCAAGCAGTAGCTGTAACTT[T>C]CACAAAGTGTGAAGAAGAACCTTTAGGTATTGTATGACAATTTGTGTGATGAATTTTTGC-3'
Protein context (NP_000050.3, residues 2460-2480): NNSNQAVAVT[Phe2470Ser]TKCEEEPLDL